The following is an entry in ClinVar:

NM_017999.5(RNF31):c.555+5G>A

Gene: RNF31 (ring finger protein 31; plus strand). Cytogenetic location: 14q12.
Variant type: single nucleotide variant.
Coding change: c.555+5G>A on transcript NM_017999.5 (MANE Select); 5 bases into the intron after coding-DNA position 555, G replaced by A.
Molecular consequence: intron variant.
Genome position (GRCh38, 1-based): chr14:24,148,706, G>A. VCF-style: chr14-24148706-G-A. GRCh37 (hg19) VCF-style: chr14-24617915-G-A.
Other names: c.102+5G>A (NM_001310332.2).
Identifiers: ClinVar variation 1928531 (VCV001928531.5), dbSNP rs1483613086, ClinGen allele CA613320120.

ClinVar aggregate classification (germline): Uncertain significance (1 of 4 stars; one submission).

Allele frequency attached by ClinVar (database versions not stated): TOPMed 0.00002; gnomAD 0.00003.
gnomAD v4.1: 7 of 1,614,080 alleles (0.00043%); highest among the groups gnomAD compares: African/African-American, 0.004%; no homozygotes.

Submission:

Labcorp Genetics (formerly Invitae), Labcorp
Classification: Uncertain significance. Last evaluated: 2024-10-04. Review status: criteria provided, single submitter. Criteria: Invitae Variant Classification Sherloc (09022015). Collection method: clinical testing. Allele origin: germline.
Comment: This sequence change falls in intron 4 of the RNF31 gene. It does not directly change the encoded amino acid sequence of the RNF31 protein. It affects a nucleotide within the consensus splice site. This variant is present in population databases (no rsID available, gnomAD 0.01%). This variant has not been reported in the literature in individuals affected with RNF31-related conditions. ClinVar contains an entry for this variant (Variation ID: 1928531). Variants that disrupt the consensus splice site are a relatively common cause of aberrant splicing (PMID: 17576681, 9536098). Algorithms developed to predict the effect of sequence changes on RNA splicing suggest that this variant may disrupt the consensus splice site. In summary, the available evidence is currently insufficient to determine the role of this variant in disease. Therefore, it has been classified as a Variant of Uncertain Significance.

Literature cited by the submitters: PubMed 17576681; PubMed 9536098.